The following is an entry in ClinVar:

NM_032043.3(BRIP1):c.3572T>C (p.Ile1191Thr)

Gene: BRIP1 (BRCA1 interacting DNA helicase 1; minus strand). Cytogenetic location: 17q23.2.
Variant type: single nucleotide variant.
Coding change: c.3572T>C on transcript NM_032043.3 (MANE Select); coding-DNA position 3572, T replaced by C.
Protein change: p.Ile1191Thr; replaces isoleucine 1191 with threonine.
Molecular consequence: missense variant.
Genome position (GRCh38, 1-based): chr17:61,683,474, A>G on the plus strand (T>C on the coding strand, the complement: BRIP1 is on the minus strand). VCF-style: chr17-61683474-A-G. GRCh37 (hg19) VCF-style: chr17-59760835-A-G.
Other names: short protein forms I1191T.
Identifiers: ClinVar variation 927139 (VCV000927139.13), dbSNP rs2061301543, ClinGen allele CA400478209.

ClinVar aggregate classification (germline): Conflicting classifications of pathogenicity. Review status: criteria provided, conflicting classifications (1 of 4 stars). 4 submissions from 4 submitters: Uncertain significance (2); Likely benign (1). 1 of the submissions does not count toward it. Last evaluated 2023-09-05.

Conditions:
Fanconi anemia complementation group J. Also called: BRIP1-Related Fanconi Anemia. Identifiers: Orphanet 84, MedGen C1836860, MONDO:0012187, OMIM 609054.
Familial cancer of breast. Also called: BREAST CANCER, FAMILIAL; hereditary breast carcinoma; Hereditary breast cancer. Identifiers: Orphanet 227535, MedGen C0346153, MONDO:0016419, OMIM 114480. Disease mechanism: loss of function.
Hereditary cancer-predisposing syndrome. Also called: Tumor predisposition; Hereditary neoplastic syndrome; Neoplastic Syndromes, Hereditary; Hereditary Cancer Syndrome. Identifiers: Orphanet 140162, MedGen C0027672, MeSH D009386, MONDO:0015356.

gnomAD v4.1: 3 of 1,613,584 alleles (0.00019%); highest among the groups gnomAD compares: South Asian, 0.0011%; no homozygotes.

Submissions (4):

Ambry Genetics
Classification: Likely benign for Hereditary cancer-predisposing syndrome. Last evaluated: 2023-09-05. Review status: criteria provided, single submitter. Criteria: Ambry Variant Classification Scheme 2023. Collection method: clinical testing. Allele origin: germline.

Labcorp Genetics (formerly Invitae), Labcorp
Classification: Uncertain significance for Familial cancer of breast; Fanconi anemia complementation group J. Last evaluated: 2022-05-25. Review status: criteria provided, single submitter. Criteria: Invitae Variant Classification Sherloc (09022015). Collection method: clinical testing. Allele origin: germline.
Comment: In summary, the available evidence is currently insufficient to determine the role of this variant in disease. Therefore, it has been classified as a Variant of Uncertain Significance. Algorithms developed to predict the effect of missense changes on protein structure and function output the following: SIFT: "Tolerated"; PolyPhen-2: "Benign"; Align-GVGD: "Class C0". The threonine amino acid residue is found in multiple mammalian species, which suggests that this missense change does not adversely affect protein function. ClinVar contains an entry for this variant (Variation ID: 927139). This variant has not been reported in the literature in individuals affected with BRIP1-related conditions. This variant is not present in population databases (gnomAD no frequency). This sequence change replaces isoleucine, which is neutral and non-polar, with threonine, which is neutral and polar, at codon 1191 of the BRIP1 protein (p.Ile1191Thr).

Color Diagnostics, LLC DBA Color Health
Classification: Uncertain significance for Hereditary cancer-predisposing syndrome. Last evaluated: 2019-05-02. Review status: criteria provided, single submitter. Criteria: ACMG Guidelines, 2015. Collection method: clinical testing. Allele origin: germline.

Leiden Open Variation Database
Classification: Uncertain significance. Last evaluated: 2019-08-13. Review status: no assertion criteria provided. Collection method: curation. Allele origin: germline. Affected: yes. Not counted in ClinVar's aggregate classification.
Comment: Curator: Arleen D. Auerbach. Submitter to LOVD: Yukihide Momozawa.

Literature cited by the submitters: PubMed 31214711 (cited by Leiden Open Variation Database).